The following is an entry in ClinVar:

ClinVar aggregate classification (germline): Uncertain significance (1 of 4 stars; one submission).

Submission:

GeneDx
Classification: Uncertain significance. Last evaluated: 2026-05-02. Review status: criteria provided, single submitter. Criteria: GeneDx Variant Classification Process June 2021. Collection method: clinical testing. Allele origin: germline.
Comment: Not observed at significant frequency in large population cohorts (gnomAD); In-frame duplication of 1 amino acid(s) in a non-repeat region; Has not been previously published as pathogenic or benign to our knowledge

NM_001308093.3(GATA4):c.831CAC[5] (p.Thr281_Leu282insThr)

Gene: GATA4 (GATA binding protein 4). Cytogenetic location: 8p23.1.
Variant type: Microsatellite.
Coding change: c.831CAC[5] on transcript NM_001308093.3 (MANE Select); five copies in a row of the 3-base unit CAC starting at c.831.
Protein change: p.Thr281_Leu282insThr.
Molecular consequence: inframe insertion. On other transcripts: intron variant (1).
Genome position: GRCh38 VCF-style: chr8-11750152-G-GACC. GRCh37 (hg19) VCF-style: chr8-11607661-G-GACC.
Other names: c.210CAC[5], p.Thr74_Leu75insThr (NM_001308094.2, NM_001374273.1); c.828CAC[5], p.Thr280_Leu281insThr (NM_002052.5); c.165+1068ACC[5] (NM_001374274.1).
Identifiers: ClinVar variation 4278854 (VCV004278854.2).